The following is an entry in ClinVar:

ClinVar aggregate classification (germline): Uncertain significance (1 of 4 stars; one submission).

Conditions:
Ullrich congenital muscular dystrophy 2 (UCMD2). Identifiers: Orphanet 75840, MedGen C4225314, MONDO:0014654, OMIM 616470.
Bethlem myopathy 2 (BTHLM2). Identifiers: Orphanet 536516, Orphanet 610, MedGen C4225313, MONDO:0034022, OMIM 616471.

Submission:

Labcorp Genetics (formerly Invitae), Labcorp
Classification: Uncertain significance for Bethlem myopathy 2; Ullrich congenital muscular dystrophy 2. Last evaluated: 2022-08-09. Review status: criteria provided, single submitter. Criteria: Invitae Variant Classification Sherloc (09022015). Collection method: clinical testing. Allele origin: germline.
Comment: This sequence change replaces threonine, which is neutral and polar, with isoleucine, which is neutral and non-polar, at codon 919 of the COL12A1 protein (p.Thr919Ile). In summary, the available evidence is currently insufficient to determine the role of this variant in disease. Therefore, it has been classified as a Variant of Uncertain Significance. Algorithms developed to predict the effect of missense changes on protein structure and function are either unavailable or do not agree on the potential impact of this missense change (SIFT: "Deleterious"; PolyPhen-2: "Probably Damaging"; Align-GVGD: "Class C0"). This variant has not been reported in the literature in individuals affected with COL12A1-related conditions. This variant is not present in population databases (gnomAD no frequency).

NM_004370.6(COL12A1):c.2756C>T (p.Thr919Ile)

Gene: COL12A1 (collagen type XII alpha 1 chain; minus strand). Cytogenetic location: 6q13.
Variant type: single nucleotide variant.
Coding change: c.2756C>T on transcript NM_004370.6 (MANE Select); coding-DNA position 2756, C replaced by T.
Protein change: p.Thr919Ile; replaces threonine 919 with isoleucine.
Molecular consequence: missense variant. On other transcripts: intron variant (1).
Genome position (GRCh38, 1-based): chr6:75,165,734, G>A on the plus strand (C>T on the coding strand, the complement: COL12A1 is on the minus strand). VCF-style: chr6-75165734-G-A. GRCh37 (hg19) VCF-style: chr6-75875450-G-A.
Other names: c.74-13252C>T (NM_080645.3); short protein forms T919I.
Identifiers: ClinVar variation 1906723 (VCV001906723.5), dbSNP rs2533471070, ClinGen allele CA364758670.